The following is an entry in ClinVar:

NM_001127222.2(CACNA1A):c.6435C>T (p.Pro2145=)

Gene: CACNA1A (calcium voltage-gated channel subunit alpha1 A; minus strand). Cytogenetic location: 19p13.13.
Variant type: single nucleotide variant.
Coding change: c.6435C>T on transcript NM_001127222.2 (MANE Select); coding-DNA position 6435, C replaced by T.
Protein change: p.Pro2145=; no amino-acid change (proline 2145 retained).
Molecular consequence: synonymous variant.
Genome position (GRCh38, 1-based): chr19:13,209,403, G>A on the plus strand (C>T on the coding strand, the complement: CACNA1A is on the minus strand). VCF-style: chr19-13209403-G-A. GRCh37 (hg19) VCF-style: chr19-13320217-G-A.
Other names: c.6453C>T, p.Pro2151= (NM_000068.4, NM_023035.3); c.6438C>T, p.Pro2146= (NM_001127221.2); c.6444C>T, p.Pro2148= (NM_001174080.2); c.6435C>T (NM_001127222.1).
Identifiers: ClinVar variation 476270 (VCV000476270.12), dbSNP rs1456597171, ClinGen allele CA505659470.

ClinVar aggregate classification (germline): Likely benign. Review status: criteria provided, multiple submitters, no conflicts (2 of 4 stars). 3 submissions from 3 submitters: Likely benign (2). 1 of the submissions does not count toward it. Last evaluated 2025-02-19.

Conditions:
CACNA1A-related disorder. Also called: CACNA1A-related condition.
Developmental and epileptic encephalopathy, 42 (DEE42A). Also called: DEVELOPMENTAL AND EPILEPTIC ENCEPHALOPATHY 42A; EPILEPTIC ENCEPHALOPATHY, EARLY INFANTILE, 42A; Epileptic encephalopathy, early infantile, 42. Identifiers: MedGen C4310716, MONDO:0014917, OMIM 617106.
Episodic ataxia type 2 (EA2). Also called: ACETAZOLAMIDE-RESPONSIVE HEREDITARY PAROXYSMAL CEREBELLAR ATAXIA; ATAXIA, EPISODIC, WITH NYSTAGMUS; ATAXIA, FAMILIAL PAROXYSMAL; CEREBELLAR ATAXIA, PAROXYSMAL, ACETAZOLAMIDE-RESPONSIVE; CEREBELLOPATHY, HEREDITARY PAROXYSMAL; EPISODIC ATAXIA, NYSTAGMUS-ASSOCIATED. Identifiers: Orphanet 97, MedGen C1720416, MONDO:0007163, OMIM 108500.

Allele frequency attached by ClinVar (database versions not stated): gnomAD 0.00001; TOPMed 0.00002.
gnomAD v4.1: 11 of 1,399,894 alleles (0.00079%); highest among the groups gnomAD compares: East Asian, 0.0028%; no homozygotes.

Submissions (3):

Women's Health and Genetics/Laboratory Corporation of America, LabCorp
Classification: Likely benign. Last evaluated: 2025-02-19. Review status: criteria provided, single submitter. Criteria: LabCorp Variant Classification Summary - May 2015. Collection method: clinical testing. Allele origin: germline.

Labcorp Genetics (formerly Invitae), Labcorp
Classification: Likely benign for Developmental and epileptic encephalopathy, 42; Episodic ataxia type 2. Last evaluated: 2017-05-14. Review status: criteria provided, single submitter. Criteria: Invitae Variant Classification Sherloc (09022015). Collection method: clinical testing. Allele origin: germline.

PreventionGenetics, part of Exact Sciences
Classification: Likely benign for CACNA1A-related condition. Last evaluated: 2021-10-15. Review status: no assertion criteria provided. Collection method: clinical testing. Allele origin: germline. Not counted in ClinVar's aggregate classification.
Comment: This variant is classified as likely benign based on ACMG/AMP sequence variant interpretation guidelines (Richards et al. 2015 PMID: 25741868, with internal and published modifications).